The following is an entry in ClinVar:

ClinVar aggregate classification (germline): Uncertain significance (1 of 4 stars; one submission).

Conditions:
Tuberous sclerosis 1 (TSC1). Identifiers: Orphanet 805, MedGen C1854465, MONDO:0008612, OMIM 191100.

Submission:

Labcorp Genetics (formerly Invitae), Labcorp
Classification: Uncertain significance for Tuberous sclerosis 1. Last evaluated: 2022-03-20. Review status: criteria provided, single submitter. Criteria: Invitae Variant Classification Sherloc (09022015). Collection method: clinical testing. Allele origin: germline.
Comment: In summary, the available evidence is currently insufficient to determine the role of this variant in disease. Therefore, it has been classified as a Variant of Uncertain Significance. Algorithms developed to predict the effect of missense changes on protein structure and function are either unavailable or do not agree on the potential impact of this missense change (SIFT: "Tolerated"; PolyPhen-2: "Probably Damaging"; Align-GVGD: "Class C0"). ClinVar contains an entry for this variant (Variation ID: 960199). This variant has not been reported in the literature in individuals affected with TSC1-related conditions. This variant is not present in population databases (gnomAD no frequency). This sequence change replaces tyrosine, which is neutral and polar, with phenylalanine, which is neutral and non-polar, at codon 948 of the TSC1 protein (p.Tyr948Phe).

NM_000368.5(TSC1):c.2843A>T (p.Tyr948Phe)

Gene: TSC1 (TSC complex subunit 1; minus strand). Cytogenetic location: 9q34.13.
Variant type: single nucleotide variant.
Coding change: c.2843A>T on transcript NM_000368.5 (MANE Select); coding-DNA position 2843, A replaced by T.
Protein change: p.Tyr948Phe; replaces tyrosine 948 with phenylalanine.
Molecular consequence: missense variant.
Genome position (GRCh38, 1-based): chr9:132,897,316, T>A on the plus strand (A>T on the coding strand, the complement: TSC1 is on the minus strand). VCF-style: chr9-132897316-T-A. GRCh37 (hg19) VCF-style: chr9-135772703-T-A.
Other names: c.2840A>T, p.Tyr947Phe (NM_001162426.2); c.2690A>T, p.Tyr897Phe (NM_001162427.2); c.2480A>T, p.Tyr827Phe (NM_001362177.2); short protein forms Y897F, Y947F, Y827F, Y948F.
Identifiers: ClinVar variation 960199 (VCV000960199.9), dbSNP rs989183765, ClinGen allele CA375368889.